The following is an entry in ClinVar:

ClinVar aggregate classification (germline): Uncertain significance (1 of 4 stars; one submission).

Submission:

GeneDx
Classification: Uncertain significance. Last evaluated: 2024-03-24. Review status: criteria provided, single submitter. Criteria: GeneDx Variant Classification Process June 2021. Collection method: clinical testing. Allele origin: germline. Affected: yes.
Comment: Not observed at significant frequency in large population cohorts (gnomAD); In silico analysis supports that this missense variant has a deleterious effect on protein structure/function; Has not been previously published as pathogenic or benign to our knowledge

NM_014991.6(WDFY3):c.8101G>A (p.Gly2701Ser)

Gene: WDFY3 (WD repeat and FYVE domain containing 3; minus strand). Cytogenetic location: 4q21.23.
Variant type: single nucleotide variant.
Coding change: c.8101G>A on transcript NM_014991.6 (MANE Select); coding-DNA position 8101, G replaced by A.
Protein change: p.Gly2701Ser; replaces glycine 2701 with serine.
Molecular consequence: missense variant.
Genome position (GRCh38, 1-based): chr4:84,709,025, C>T on the plus strand (G>A on the coding strand, the complement: WDFY3 is on the minus strand). VCF-style: chr4-84709025-C-T. GRCh37 (hg19) VCF-style: chr4-85630178-C-T.
Other names: short protein forms G2701S.
Identifiers: ClinVar variation 3371527 (VCV003371527.1).